The following is an entry in ClinVar:

ClinVar aggregate classification (germline): Uncertain significance. Review status: criteria provided, multiple submitters, no conflicts (2 of 4 stars). 2 submissions from 2 submitters: Uncertain significance (2). Last evaluated 2024-11-04.

Conditions:
CABP4-related disorder. Also called: CABP4-related condition.

Allele frequency attached by ClinVar (database versions not stated): TOPMed 0.00002.
gnomAD v4.1: 15 of 1,613,652 alleles (0.00093%); highest among the groups gnomAD compares: Admixed American, 0.025%; no homozygotes.

Submissions (2):

PreventionGenetics, part of Exact Sciences
Classification: Uncertain significance for CABP4-related condition. Last evaluated: 2024-11-04. Review status: criteria provided, single submitter. Criteria: ACMG Guidelines, 2015. Collection method: clinical testing. Allele origin: germline.
Comment: The CABP4 c.464G>T variant is predicted to result in the amino acid substitution p.Gly155Val. To our knowledge, this variant has not been reported in the literature. This variant is reported in 0.040% of alleles in individuals of Latino descent in gnomAD. A different variant at the same position, c.464G>A, p.(Gly155Asp), has been reported in an individual with Leber congenital amaurosis, along with a second CABP4 allele, and in the heterozygous state in a four generation family with nocturnal frontal lobe epilepsy (Wang et al. 2016. PubMed ID: 27422788; Chen et al. 2017. PubMed ID: 29108277). At this time, the clinical significance of this variant is uncertain due to the absence of conclusive functional and genetic evidence.

Labcorp Genetics (formerly Invitae), Labcorp
Classification: Uncertain significance. Last evaluated: 2024-01-30. Review status: criteria provided, single submitter. Criteria: Invitae Variant Classification Sherloc (09022015). Collection method: clinical testing. Allele origin: germline.
Comment: This sequence change replaces glycine, which is neutral and non-polar, with valine, which is neutral and non-polar, at codon 155 of the CABP4 protein (p.Gly155Val). This variant is present in population databases (rs568970047, gnomAD 0.04%). This variant has not been reported in the literature in individuals affected with CABP4-related conditions. ClinVar contains an entry for this variant (Variation ID: 863562). Advanced modeling of protein sequence and biophysical properties (such as structural, functional, and spatial information, amino acid conservation, physicochemical variation, residue mobility, and thermodynamic stability) performed at Invitae indicates that this missense variant is expected to disrupt CABP4 protein function with a positive predictive value of 80%. In summary, the available evidence is currently insufficient to determine the role of this variant in disease. Therefore, it has been classified as a Variant of Uncertain Significance.

NM_145200.5(CABP4):c.464G>T (p.Gly155Val)

Gene: CABP4 (calcium binding protein 4; plus strand). Cytogenetic location: 11q13.2.
Variant type: single nucleotide variant.
Coding change: c.464G>T on transcript NM_145200.5 (MANE Select); coding-DNA position 464, G replaced by T.
Protein change: p.Gly155Val; replaces glycine 155 with valine.
Molecular consequence: missense variant.
Genome position (GRCh38, 1-based): chr11:67,456,365, G>T. VCF-style: chr11-67456365-G-T. GRCh37 (hg19) VCF-style: chr11-67223836-G-T.
Other names: c.149G>T, p.Gly50Val (NM_001300895.3, NM_001300896.3, NM_001379183.1); short protein forms G155V, G50V.
Identifiers: ClinVar variation 863562 (VCV000863562.7), dbSNP rs568970047, ClinGen allele CA6140229.